The following is an entry in ClinVar:

NM_015046.7(SETX):c.4626A>C (p.Glu1542Asp)

Gene: SETX (senataxin; minus strand). Cytogenetic location: 9q34.13.
Variant type: single nucleotide variant.
Coding change: c.4626A>C on transcript NM_015046.7 (MANE Select); coding-DNA position 4626, A replaced by C.
Protein change: p.Glu1542Asp; replaces glutamic acid 1542 with aspartic acid.
Molecular consequence: missense variant.
Genome position (GRCh38, 1-based): chr9:132,326,972, T>G on the plus strand (A>C on the coding strand, the complement: SETX is on the minus strand). VCF-style: chr9-132326972-T-G. GRCh37 (hg19) VCF-style: chr9-135202359-T-G.
Other names: c.4626A>C, p.Glu1542Asp (NM_001351527.2, NM_001351528.2); short protein forms E1542D.
Identifiers: ClinVar variation 3257289 (VCV003257289.17).
Genomic context (GRCh38, chr9:132,326,972, plus strand): 5'-ACCCTGGTTTTTTGTGGTTTCAAGACAATCTTTGTACTTACACTTTGTGCCACTCAAAGA[T>G]TCCAACTGAGGCCGACTTACAGAATCTTCTTCAACCTCAACTGTATCTTTTCCATGAATT-3'
Protein context (NP_055861.3, residues 1532-1552): EEDSVSRPQL[Glu1542Asp]SLSGTKCKYK

ClinVar aggregate classification (germline): Uncertain significance (1 of 4 stars; one submission).

gnomAD v4.1: 5 of 1,614,246 alleles (0.00031%); highest among the groups gnomAD compares: Non-Finnish European, 0.00034%; no homozygotes.

Submission:

CeGaT Center for Human Genetics Tuebingen
Classification: Uncertain significance. Last evaluated: 2024-07-01. Review status: criteria provided, single submitter. Criteria: CeGaT Center For Human Genetics Tuebingen Variant Classification Criteria Version 2. Collection method: clinical testing. Allele origin: germline. Affected: yes. Observed: 1 variant allele.
Comment: SETX: PM2, BP4